The following is an entry in ClinVar:

ClinVar aggregate classification (germline): Pathogenic. Review status: criteria provided, multiple submitters, no conflicts (2 of 4 stars). 2 submissions from 2 submitters: Pathogenic (2). Last evaluated 2022-06-04.

Submissions (2):

Labcorp Genetics (formerly Invitae), Labcorp
Classification: Pathogenic. Last evaluated: 2022-06-04. Review status: criteria provided, single submitter. Criteria: Invitae Variant Classification Sherloc (09022015). Collection method: clinical testing. Allele origin: germline.
Comment: This sequence change creates a premature translational stop signal (p.Trp427*) in the PDE6B gene. It is expected to result in an absent or disrupted protein product. Loss-of-function variants in PDE6B are known to be pathogenic (PMID: 8394174, 8595886, 22334370). This variant is not present in population databases (gnomAD no frequency). This premature translational stop signal has been observed in individual(s) with PDE6B-related conditions (PMID: 25097241). ClinVar contains an entry for this variant (Variation ID: 449303). Algorithms developed to predict the effect of sequence changes on RNA splicing suggest that this variant may create or strengthen a splice site. For these reasons, this variant has been classified as Pathogenic.

GeneDx
Classification: Pathogenic. Last evaluated: 2017-06-29. Review status: criteria provided, single submitter. Criteria: GeneDx Variant Classification (06012015). Collection method: clinical testing. Allele origin: germline. Affected: yes.
Comment: The W427X variant in the PDE6B gene has been reported previously, in the presence of a second PDE6B nonsense variant, in a patient with nyctalopia and reduced peripheral vision who carried a diagnosis of retinitis pigmentosa (Wang et al., 2014). This variant is predicted to cause loss of normal protein function either through protein truncation or nonsense-mediated mRNA decay. The W427X variant is not observed in large population cohorts (Lek et al., 2016; 1000 Genomes Consortium et al., 2015; Exome Variant Server). We interpret W427X as a pathogenic variant.

Literature cited by the submitters: PubMed 8394174 (cited by Labcorp Genetics (formerly Invitae), Labcorp); PubMed 8595886 (cited by Labcorp Genetics (formerly Invitae), Labcorp); PubMed 22334370 (cited by Labcorp Genetics (formerly Invitae), Labcorp); PubMed 25097241 (cited by Labcorp Genetics (formerly Invitae), Labcorp).

NM_000283.4(PDE6B):c.1280G>A (p.Trp427Ter)

Gene: PDE6B (phosphodiesterase 6B; plus strand). Cytogenetic location: 4p16.3.
Variant type: single nucleotide variant.
Coding change: c.1280G>A on transcript NM_000283.4 (MANE Select); coding-DNA position 1280, G replaced by A.
Protein change: p.Trp427Ter; replaces tryptophan 427 with a stop codon.
Molecular consequence: nonsense.
Genome position (GRCh38, 1-based): chr4:657,373, G>A. VCF-style: chr4-657373-G-A. GRCh37 (hg19) VCF-style: chr4-651162-G-A.
Other names: c.1280G>A, p.Trp427Ter (NM_001145291.2); c.443G>A, p.Trp148Ter (NM_001145292.2, NM_001350154.3, NM_001379246.1 and 1 more transcripts); c.125G>A, p.Trp42Ter (NM_001350155.3); short protein forms W427*, W42*, W148*.
Identifiers: ClinVar variation 449303 (VCV000449303.6), dbSNP rs771148614, ClinGen allele CA355913773.
Genomic context (GRCh38, chr4:657,373, plus strand): 5'-GGAGCGCTGAGCGCCAGTGACACTGCCATCCCCTCCAGTCCCTGACACAGTTCCTGGGCT[G>A]GTCAGTGATGAACACCGACACCTACGACAAGATGAACAAGCTGGAGAACCGCAAGGACAT-3'